The following is an entry in ClinVar:

NM_002519.3(NPAT):c.4085C>T (p.Ser1362Phe)

Gene: NPAT (nuclear protein, coactivator of histone transcription; minus strand). Cytogenetic location: 11q22.3.
Variant type: single nucleotide variant.
Coding change: c.4085C>T on transcript NM_002519.3 (MANE Select); coding-DNA position 4085, C replaced by T.
Protein change: p.Ser1362Phe; replaces serine 1362 with phenylalanine.
Molecular consequence: missense variant.
Genome position (GRCh38, 1-based): chr11:108,161,001, G>A on the plus strand (C>T on the coding strand, the complement: NPAT is on the minus strand). VCF-style: chr11-108161001-G-A. GRCh37 (hg19) VCF-style: chr11-108031728-G-A.
Other names: c.4106C>T, p.Ser1369Phe (NM_001321307.1); short protein forms S1362F, S1369F.
Identifiers: ClinVar variation 1737658 (VCV001737658.3), dbSNP rs1257068612, ClinGen allele CA382509401.

ClinVar aggregate classification (germline): Uncertain significance (1 of 4 stars; one submission).

Allele frequency attached by ClinVar (database versions not stated): gnomAD exomes below 0.00001.
gnomAD v4.1: 6 of 1,614,144 alleles (0.00037%); highest among the groups gnomAD compares: Non-Finnish European, 0.00051%; no homozygotes.

Submission:

Ambry Genetics
Classification: Uncertain significance. Last evaluated: 2024-04-27. Review status: criteria provided, single submitter. Criteria: Ambry Variant Classification Scheme 2023. Collection method: clinical testing. Allele origin: germline.
Comment: The p.S1362F variant (also known as c.4085C>T), located in coding exon 17 of the NPAT gene, results from a C to T substitution at nucleotide position 4085. The serine at codon 1362 is replaced by phenylalanine, an amino acid with highly dissimilar properties. This amino acid position is conserved. In addition, this alteration is predicted to be tolerated by in silico analysis. Since supporting evidence is limited at this time, the clinical significance of this alteration remains unclear.